The following is an entry in ClinVar:

NM_001165963.4(SCN1A):c.1620del (p.Asn541fs)

Gene: SCN1A (sodium voltage-gated channel alpha subunit 1; minus strand). Cytogenetic location: 2q24.3.
Variant type: Deletion.
Coding change: c.1620del on transcript NM_001165963.4 (MANE Select); coding-DNA position 1620, one base deleted (G; older notation c.1620delG).
Protein change: p.Asn541fs; shifts the reading frame from asparagine 541.
Molecular consequence: frameshift variant. On other transcripts: 5 prime UTR variant (1), non-coding transcript variant (1).
Genome position (GRCh38, 1-based): chr2:166,045,085, C deleted on the plus strand (G on the coding strand, the reverse complement: SCN1A is on the minus strand); the first of 3 consecutive C bases (chr2:166,045,085-166,045,087); deleting any one gives the same sequence. VCF-style (leftmost placement, unchanged base first): chr2-166045084-TC-T. GRCh37 (hg19) VCF-style: chr2-166901594-TC-T.
Other names: c.1620del, p.Asn541fs (NM_001165964.3, NM_001202435.3, NM_001353948.2 and 7 more transcripts); c.1617del, p.Asn540fs (NM_001353954.2, NM_001353955.2, NM_001353960.2); c.-806del (NM_001353961.2); short protein forms N541fs, N540fs.
Identifiers: ClinVar variation 1456113 (VCV001456113.7), dbSNP rs2105850381, ClinGen allele CA2573133539.
Genomic context (GRCh38, chr2:166,045,084, plus strand): 5'-AAACTCAGCAGTGCCATACCTGGTGTGGGGAGGAGTACCTCTTTTCATATGTCAATCGGT[TC>T]CCTTCAATGGAGAAGCGAAAACCTTTCCTCCTGATGCTGTCCTCAGATTCAGATTTTTGG-3'

ClinVar aggregate classification (germline): Pathogenic (1 of 4 stars; one submission).

Conditions:
Early-infantile DEE. Also called: Early infantile epileptic encephalopathy; Ohtahara syndrome; Early infantile epileptic encephalopathy with suppression bursts. Identifiers: Orphanet 1934, MedGen C0393706, MONDO:0800491.

Submission:

Labcorp Genetics (formerly Invitae), Labcorp
Classification: Pathogenic for Early-infantile DEE. Last evaluated: 2021-07-21. Review status: criteria provided, single submitter. Criteria: Invitae Variant Classification Sherloc (09022015). Collection method: clinical testing. Allele origin: germline.
Comment: This sequence change creates a premature translational stop signal (p.Asn541Thrfs*3) in the SCN1A gene. It is expected to result in an absent or disrupted protein product. Loss-of-function variants in SCN1A are known to be pathogenic (PMID: 17347258, 18930999). This variant is not present in population databases (ExAC no frequency). This variant has not been reported in the literature in individuals with SCN1A-related conditions. For these reasons, this variant has been classified as Pathogenic.

Literature cited by the submitters: PubMed 17347258; PubMed 18930999.